The following is an entry in ClinVar:

NM_004656.4(BAP1):c.1787_1788delinsAT (p.Ser596Asn)

Gene: BAP1 (BRCA1 associated deubiquitinase 1; minus strand). Cytogenetic location: 3p21.1.
Variant type: Indel.
Coding change: c.1787_1788delinsAT on transcript NM_004656.4 (MANE Select); coding-DNA positions 1787 to 1788, GC replaced by AT.
Protein change: p.Ser596Asn; replaces serine 596 with asparagine.
Molecular consequence: missense variant.
Genome position (GRCh38, 1-based): chr3:52,403,240-52,403,241, GC replaced by AT on the plus strand (GC replaced by AT on the coding strand, the reverse complement: BAP1 is on the minus strand). VCF-style: chr3-52403240-GC-AT. GRCh37 (hg19) VCF-style: chr3-52437256-GC-AT.
Other names: c.1733_1734delinsAT, p.Ser578Asn (NM_001410772.1); short protein forms S578N, S596N.
Identifiers: ClinVar variation 3364548 (VCV003364548.1).

ClinVar aggregate classification (germline): Uncertain significance (1 of 4 stars; one submission).

Submission:

GeneDx
Classification: Uncertain significance. Last evaluated: 2023-11-20. Review status: criteria provided, single submitter. Criteria: GeneDx Variant Classification Process June 2021. Collection method: clinical testing. Allele origin: germline. Affected: yes.
Comment: Not observed at significant frequency in large population cohorts (gnomAD); In silico analysis supports that this variant does not alter protein structure/function; Has not been previously published as pathogenic or benign to our knowledge